The following is an entry in ClinVar:

NM_000414.4(HSD17B4):c.2041A>G (p.Lys681Glu)

Gene: HSD17B4 (hydroxysteroid 17-beta dehydrogenase 4; plus strand). Cytogenetic location: 5q23.1.
Variant type: single nucleotide variant.
Coding change: c.2041A>G on transcript NM_000414.4 (MANE Select); coding-DNA position 2041, A replaced by G.
Protein change: p.Lys681Glu; replaces lysine 681 with glutamic acid.
Molecular consequence: missense variant.
Genome position (GRCh38, 1-based): chr5:119,536,470, A>G. VCF-style: chr5-119536470-A-G. GRCh37 (hg19) VCF-style: chr5-118872165-A-G.
Other names: p.Lys706Glu; c.2041A>G (NM_000414.3); c.2116A>G, p.Lys706Glu (NM_001199291.3); c.1987A>G, p.Lys663Glu (NM_001199292.2); c.1969A>G, p.Lys657Glu (NM_001292027.2); c.1621A>G, p.Lys541Glu (NM_001292028.2); short protein forms K681E, K657E, K541E, K663E, K706E.
Identifiers: ClinVar variation 594879 (VCV000594879.47), dbSNP rs139348491, ClinGen allele CA3382500.

ClinVar aggregate classification (germline): Conflicting classifications of pathogenicity. Review status: criteria provided, conflicting classifications (1 of 4 stars). 6 submissions from 6 submitters: Uncertain significance (4); Likely benign (1). 1 of the submissions does not count toward it. Last evaluated 2026-01-14.

Conditions:
Inborn genetic diseases. Identifiers: MedGen C0950123, MeSH D030342.
HSD17B4-related disorder. Also called: HSD17B4-related disorders; HSD17B4-related condition.
Perrault syndrome. Also called: Gonadal dysgenesis with auditory dysfunction, autosomal recessive inheritance. Identifiers: Orphanet 2855, MedGen C0685838, MONDO:0017312.
Bifunctional peroxisomal enzyme deficiency (DBIF). Also called: PBFE DEFICIENCY; D-bifunctional protein deficiency; DBP DEFICIENCY. Identifiers: Orphanet 300, MedGen C0342870, MONDO:0009855, OMIM 261515. Disease mechanism: loss of function.

Allele frequency attached by ClinVar (database versions not stated): ExAC 0.00001; gnomAD exomes 0.00001; TOPMed 0.00005; gnomAD 0.00006; ESP Exome Variant Server 0.00015.
gnomAD v4.1: 24 of 1,612,478 alleles (0.0015%); highest among the groups gnomAD compares: African/African-American, 0.023%; no homozygotes.

Submissions (6):

Labcorp Genetics (formerly Invitae), Labcorp
Classification: Likely benign for Perrault syndrome; Bifunctional peroxisomal enzyme deficiency. Last evaluated: 2026-01-14. Review status: criteria provided, single submitter. Criteria: Invitae Variant Classification Sherloc (09022015). Collection method: clinical testing. Allele origin: germline.

Ambry Genetics
Classification: Uncertain significance for Inborn genetic diseases. Last evaluated: 2024-09-30. Review status: criteria provided, single submitter. Criteria: Ambry Variant Classification Scheme 2023. Collection method: clinical testing. Allele origin: germline.

CeGaT Center for Human Genetics Tuebingen
Classification: Uncertain significance. Last evaluated: 2021-11-01. Review status: criteria provided, single submitter. Criteria: CeGaT Center For Human Genetics Tuebingen Variant Classification Criteria Version 2. Collection method: clinical testing. Allele origin: germline. Affected: yes. Observed: 1 variant allele.

Mayo Clinic Laboratories, Mayo Clinic
Classification: Uncertain significance. Last evaluated: 2021-05-21. Review status: criteria provided, single submitter. Criteria: ACMG Guidelines, 2015. Collection method: clinical testing. Allele origin: germline.

Eurofins Ntd Llc (ga)
Classification: Uncertain significance. Last evaluated: 2017-11-07. Review status: criteria provided, single submitter. Criteria: EGL Classification Definitions 2015. Collection method: clinical testing. Allele origin: germline. Observed: 1 variant allele, 1 heterozygote.

PreventionGenetics, part of Exact Sciences
Classification: Uncertain significance for HSD17B4-related condition. Last evaluated: 2024-08-08. Review status: no assertion criteria provided. Collection method: clinical testing. Allele origin: germline. Not counted in ClinVar's aggregate classification.
Comment: The HSD17B4 c.2041A>G variant is predicted to result in the amino acid substitution p.Lys681Glu. To our knowledge, this variant has not been reported in the literature. This variant is reported in 0.016% of alleles in individuals of African descent in gnomAD. At this time, the clinical significance of this variant is uncertain due to the absence of conclusive functional and genetic evidence.